The following is an entry in ClinVar:

ClinVar aggregate classification (germline): Likely pathogenic (1 of 4 stars; one submission).

Conditions:
Autosomal recessive nonsyndromic hearing loss 3. Also called: NEUROSENSORY NONSYNDROMIC RECESSIVE DEAFNESS 3. Identifiers: Orphanet 90636, MedGen C1838263, MONDO:0010860, OMIM 600316.

Submission:

Juno Genomics, Hangzhou Juno Genomics, Inc
Classification: Likely pathogenic for Autosomal recessive nonsyndromic hearing loss 3. Review status: criteria provided, single submitter. Criteria: ACMG Guidelines, 2015. Collection method: clinical testing. Allele origin: germline.
Comment: Null variant in a gene where loss of function (LOF) is a known mechanism of disease.;Absent from controls (or at extremely low frequency if recessive) in Genome Aggregation Database.

NM_016239.4(MYO15A):c.4870G>T (p.Glu1624Ter)

Gene: MYO15A (myosin XVA; plus strand). Cytogenetic location: 17p11.2.
Variant type: single nucleotide variant.
Coding change: c.4870G>T on transcript NM_016239.4 (MANE Select); coding-DNA position 4870, G replaced by T.
Protein change: p.Glu1624Ter; replaces glutamic acid 1624 with a stop codon.
Molecular consequence: nonsense.
Genome position (GRCh38, 1-based): chr17:18,137,674, G>T. VCF-style: chr17-18137674-G-T. GRCh37 (hg19) VCF-style: chr17-18040988-G-T.
Other names: short protein forms E1624*.
Identifiers: ClinVar variation 5005711 (VCV005005711.2).
Genomic context (GRCh38, chr17:18,137,674, plus strand): 5'-TGTATTAACTACGCAAACGAGAACCTTCAGTACCTTTTCAACAAGATCGTCTTCCAGGAG[G>T]AGCAGGTGTGTGGGCCCCATTAATACTCCTGTCCCTGTCTTGACTGGCCAGTGGACCTCC-3'